The following is an entry in ClinVar:

NM_001375567.1(FOCAD):c.2862G>C (p.Pro954=)

Gene: FOCAD (focadhesin; plus strand). Cytogenetic location: 9p21.3.
Variant type: single nucleotide variant.
Coding change: c.2862G>C on transcript NM_001375567.1 (MANE Select); coding-DNA position 2862, G replaced by C.
Protein change: p.Pro954=; no amino-acid change (proline 954 retained).
Molecular consequence: synonymous variant.
Genome position (GRCh38, 1-based): chr9:20,923,669, G>C. VCF-style: chr9-20923669-G-C. GRCh37 (hg19) VCF-style: chr9-20923668-G-C.
Other names: c.2757G>C, p.Pro919= (NM_001375568.1, NM_001375570.1); c.2862G>C, p.Pro954= (NM_017794.5).
Identifiers: ClinVar variation 2659112 (VCV002659112.24), dbSNP rs59400819, ClinGen allele CA464055757.
Genomic context (GRCh38, chr9:20,923,669, plus strand): 5'-CTTCTGGTTAATACCAAAGTTCTCTGTTGAAATTTTTTTCCTTTTGAACAGGGAGAGTCC[G>C]GTAGTGAAAGGCAATGCGCTGTTAGCTCTAAGCAGCCTTGCTGTCGTCGTATCTAGACAT-3'
Protein context (NP_001362496.1, residues 944-964): EITKAAAKES[Pro954=]VVKGNALLAL

ClinVar aggregate classification (germline): Likely benign (1 of 4 stars; one submission).

gnomAD v4.1: 21 of 1,613,544 alleles (0.0013%); highest among the groups gnomAD compares: Non-Finnish European, 0.0018%; no homozygotes.

Submission:

CeGaT Center for Human Genetics Tuebingen
Classification: Likely benign. Last evaluated: 2023-01-01. Review status: criteria provided, single submitter. Criteria: CeGaT Center For Human Genetics Tuebingen Variant Classification Criteria Version 2. Collection method: clinical testing. Allele origin: germline. Affected: yes. Observed: 1 variant allele.
Comment: FOCAD: BP4, BP7